The following is an entry in ClinVar:

ClinVar aggregate classification (germline): Pathogenic/Likely pathogenic. Review status: criteria provided, multiple submitters, no conflicts (2 of 4 stars). 3 submissions from 3 submitters: Pathogenic (1); Likely pathogenic (1). 1 of the submissions does not count toward it. Last evaluated 2025-04-30.

Conditions:
ABCA4-related disorder. Also called: ABCA4-related disorders; ABCA4-related condition. Identifiers: MedGen CN239167.

Allele frequency attached by ClinVar (database versions not stated): gnomAD exomes 0.00002.

Submissions (3):

Labcorp Genetics (formerly Invitae), Labcorp
Classification: Pathogenic. Last evaluated: 2025-04-30. Review status: criteria provided, single submitter. Criteria: Invitae Variant Classification Sherloc (09022015). Collection method: clinical testing. Allele origin: germline.
Comment: This sequence change creates a premature translational stop signal (p.Arg2118Glufs*27) in the ABCA4 gene. It is expected to result in an absent or disrupted protein product. Loss-of-function variants in ABCA4 are known to be pathogenic (PMID: 10958761, 24938718, 25312043, 26780318). This variant is not present in population databases (gnomAD no frequency). This premature translational stop signal has been observed in individual(s) with Stargardt disease (PMID: 15161829). ClinVar contains an entry for this variant (Variation ID: 99453). For these reasons, this variant has been classified as Pathogenic.

Blueprint Genetics
Classification: Likely pathogenic for ABCA4-related disorders. Last evaluated: 2018-03-07. Review status: criteria provided, single submitter. Criteria: ACMG Guidelines, 2015. Collection method: clinical testing. Allele origin: germline. Affected: yes. Observed: 1 variant allele.

Retina International
No classification provided. Review status: no classification provided. Collection method: not provided. Allele origin: not provided. Not counted in ClinVar's aggregate classification.

Literature cited by the submitters: PubMed 10958761 (cited by Labcorp Genetics (formerly Invitae), Labcorp); PubMed 24938718 (cited by Labcorp Genetics (formerly Invitae), Labcorp); PubMed 25312043 (cited by Labcorp Genetics (formerly Invitae), Labcorp); PubMed 26780318 (cited by Labcorp Genetics (formerly Invitae), Labcorp); PubMed 15161829 (cited by Labcorp Genetics (formerly Invitae), Labcorp).

NM_000350.3(ABCA4):c.6352del (p.Arg2118fs)

Gene: ABCA4 (ATP binding cassette subfamily A member 4; minus strand). Cytogenetic location: 1p22.1.
Variant type: Deletion.
Coding change: c.6352del on transcript NM_000350.3 (MANE Select); coding-DNA position 6352, one base deleted (A; older notation c.6352delA).
Protein change: p.Arg2118fs; shifts the reading frame from arginine 2118.
Molecular consequence: frameshift variant.
Genome position (GRCh38, 1-based): chr1:94,001,036, T deleted on the plus strand (A on the coding strand, the reverse complement: ABCA4 is on the minus strand). VCF-style (leftmost placement, unchanged base first): chr1-94001035-CT-C. GRCh37 (hg19) VCF-style: chr1-94466591-CT-C.
Other names: c.6130delA, p.Arg2044Glufs (NM_001425324.1); short protein forms R2118fs.
Identifiers: ClinVar variation 99453 (VCV000099453.5), dbSNP rs61750650, ClinGen allele CA227398.